The following is an entry in ClinVar:

NM_014252.4(SLC25A15):c.*1855C>A

Gene: SLC25A15 (solute carrier family 25 member 15; plus strand). Cytogenetic location: 13q14.11.
Variant type: single nucleotide variant.
Coding change: c.*1855C>A on transcript NM_014252.4 (MANE Select); 1855 bases downstream of the stop codon, C replaced by A.
Molecular consequence: 3 prime UTR variant.
Genome position (GRCh38, 1-based): chr13:40,811,522, C>A. VCF-style: chr13-40811522-C-A. GRCh37 (hg19) VCF-style: chr13-41385658-C-A.
Identifiers: ClinVar variation 312209 (VCV000312209.5), dbSNP rs9566580, ClinGen allele CA10643520.

ClinVar aggregate classification (germline): Benign (1 of 4 stars; one submission).

Conditions:
Hyperornithinemia-hyperammonemia-homocitrullinuria syndrome (HHHS). Also called: HHH SYNDROME; Ornithine translocase deficiency. Identifiers: Orphanet 415, MedGen C0268540, MONDO:0009393, OMIM 238970.

Allele frequency attached by ClinVar (database versions not stated): TOPMed 0.21293; 1000 Genomes Project 0.23163; 1000 Genomes Project 30x 0.23579; gnomAD 0.20008 and 0.20154.
gnomAD v4.1: 30,381 of 151,920 alleles (20%); highest among the groups gnomAD compares: African/African-American, 37%; 4,064 homozygotes.

Submission:

Illumina Laboratory Services, Illumina
Classification: Benign for Hyperornithinemia-hyperammonemia-homocitrullinuria syndrome. Last evaluated: 2018-01-13. Review status: criteria provided, single submitter. Criteria: ICSL Variant Classification Criteria 13 December 2019. Collection method: clinical testing. Allele origin: germline.
Comment: This variant was observed in the ICSL laboratory as part of a predisposition screen in an ostensibly healthy population. It had not been previously curated by ICSL or reported in the Human Gene Mutation Database (HGMD: prior to June 1st, 2018), and was therefore a candidate for classification through an automated scoring system. Utilizing variant allele frequency, disease prevalence and penetrance estimates, and inheritance mode, an automated score was calculated to assess if this variant is too frequent to cause the disease. Based on the score and internal cut-off values, a variant classified as benign is not then subjected to further curation. The score for this variant resulted in a classification of benign for this disease.